The following is an entry in ClinVar:

ClinVar aggregate classification (germline): Pathogenic. Review status: criteria provided, multiple submitters, no conflicts (2 of 4 stars). 2 submissions from 2 submitters: Pathogenic (2). Last evaluated 2024-05-14.

Conditions:
VPS13A-related neurodegenerative disease. Also called: ACANTHOCYTOSIS WITH NEUROLOGIC DISORDER; LEVINE-CRITCHLEY SYNDROME; Choreoacanthocytosis; Chorea-acanthocytosis; VPS13A Disease; Choreaacanthocytosis. Identifiers: Orphanet 2388, MedGen C0393576, MONDO:0008695, OMIM 200150.

Submissions (2):

Myriad Genetics, Inc.
Classification: Pathogenic for VPS13A-related neurodegenerative disease. Last evaluated: 2024-05-14. Review status: criteria provided, single submitter. Criteria: Myriad Autosomal Dominant, Autosomal Recessive and X-Linked Classification Criteria (2023). Collection method: clinical testing. Allele origin: unknown.
Comment: NM_033305.2(VPS13A):c.3394delG(D1132Mfs*11) is expected to be pathogenic in the context of VPS13A disease. This variant is predicted to lead to an abnormal or absent protein product due to the creation of a premature termination codon in VPS13A, a gene where loss-of-function variants are known to be pathogenic. Please note: this variant was assessed in the context of healthy population screening.

Labcorp Genetics (formerly Invitae), Labcorp
Classification: Pathogenic. Last evaluated: 2023-10-18. Review status: criteria provided, single submitter. Criteria: Invitae Variant Classification Sherloc (09022015). Collection method: clinical testing. Allele origin: germline.
Comment: This sequence change creates a premature translational stop signal (p.Asp1132Metfs*11) in the VPS13A gene. It is expected to result in an absent or disrupted protein product. Loss-of-function variants in VPS13A are known to be pathogenic (PMID: 12404112, 21598378). This variant is present in population databases (rs756830060, gnomAD 0.02%). This variant has not been reported in the literature in individuals affected with VPS13A-related conditions. ClinVar contains an entry for this variant (Variation ID: 1073239). For these reasons, this variant has been classified as Pathogenic.

Literature cited by the submitters: PubMed 12404112 (cited by Labcorp Genetics (formerly Invitae), Labcorp); PubMed 21598378 (cited by Labcorp Genetics (formerly Invitae), Labcorp).

NM_033305.3(VPS13A):c.3394del (p.Asp1132fs)

Gene: VPS13A (vacuolar protein sorting 13 homolog A; plus strand). Cytogenetic location: 9q21.2.
Variant type: Deletion.
Coding change: c.3394del on transcript NM_033305.3 (MANE Select); coding-DNA position 3394, one base deleted (G; older notation c.3394delG).
Protein change: p.Asp1132fs; shifts the reading frame from aspartic acid 1132.
Molecular consequence: frameshift variant.
Genome position (GRCh38, 1-based): chr9:77,293,395, G deleted; the last of 2 consecutive G bases (chr9:77,293,394-77,293,395); deleting either gives the same sequence. VCF-style (leftmost placement, unchanged base first): chr9-77293393-TG-T. GRCh37 (hg19) VCF-style: chr9-79908309-TG-T.
Other names: c.3277del, p.Asp1093fs (NM_001018037.2); c.3394del, p.Asp1132fs (NM_001018038.3, NM_015186.4); short protein forms D1093fs, D1132fs.
Identifiers: ClinVar variation 1073239 (VCV001073239.8), dbSNP rs756830060, ClinGen allele CA5092242.